The following is an entry in ClinVar:

NM_000095.3(COMP):c.1141C>G (p.Arg381Gly)

Gene: COMP (cartilage oligomeric matrix protein; minus strand). Cytogenetic location: 19p13.11.
Variant type: single nucleotide variant.
Coding change: c.1141C>G on transcript NM_000095.3 (MANE Select); coding-DNA position 1141, C replaced by G.
Protein change: p.Arg381Gly; replaces arginine 381 with glycine.
Molecular consequence: missense variant.
Genome position (GRCh38, 1-based): chr19:18,786,645, G>C on the plus strand (C>G on the coding strand, the complement: COMP is on the minus strand). VCF-style: chr19-18786645-G-C. GRCh37 (hg19) VCF-style: chr19-18897455-G-C.
Other names: short protein forms R381G.
Identifiers: ClinVar variation 2898046 (VCV002898046.3), dbSNP rs3179763, ClinGen allele CA404887273.

ClinVar aggregate classification (germline): Uncertain significance (1 of 4 stars; one submission).

gnomAD v4.1: 2 of 1,613,606 alleles (0.00012%); highest among the groups gnomAD compares: South Asian, 0.0011%; no homozygotes.

Submission:

Labcorp Genetics (formerly Invitae), Labcorp
Classification: Uncertain significance. Last evaluated: 2024-01-29. Review status: criteria provided, single submitter. Criteria: Invitae Variant Classification Sherloc (09022015). Collection method: clinical testing. Allele origin: germline.
Comment: This sequence change replaces arginine, which is basic and polar, with glycine, which is neutral and non-polar, at codon 381 of the COMP protein (p.Arg381Gly). This variant is not present in population databases (gnomAD no frequency). This variant has not been reported in the literature in individuals affected with COMP-related conditions. Advanced modeling of protein sequence and biophysical properties (such as structural, functional, and spatial information, amino acid conservation, physicochemical variation, residue mobility, and thermodynamic stability) performed at Invitae indicates that this missense variant is not expected to disrupt COMP protein function with a negative predictive value of 80%. In summary, the available evidence is currently insufficient to determine the role of this variant in disease. Therefore, it has been classified as a Variant of Uncertain Significance.